The following is an entry in ClinVar:

ClinVar aggregate classification (germline): Uncertain significance (1 of 4 stars; one submission).

Conditions:
Primary familial hypertrophic cardiomyopathy (HCM). Identifiers: Orphanet 99739, MedGen C0949658, MeSH D024741, MONDO:0024573. Inheritance: Various modes of inheritance.

Allele frequency attached by ClinVar (database versions not stated): TOPMed below 0.00001.
gnomAD v4.1: 1 of 1,614,220 alleles (0.000062%); highest among the groups gnomAD compares: Non-Finnish European, 0.000085%; no homozygotes.

Submission:

Labcorp Genetics (formerly Invitae), Labcorp
Classification: Uncertain significance for Primary familial hypertrophic cardiomyopathy. Last evaluated: 2023-02-01. Review status: criteria provided, single submitter. Criteria: Invitae Variant Classification Sherloc (09022015). Collection method: clinical testing. Allele origin: germline.
Comment: This sequence change replaces phenylalanine, which is neutral and non-polar, with tyrosine, which is neutral and polar, at codon 344 of the ILK protein (p.Phe344Tyr). This variant is not present in population databases (gnomAD no frequency). This variant has not been reported in the literature in individuals affected with ILK-related conditions. Algorithms developed to predict the effect of missense changes on protein structure and function are either unavailable or do not agree on the potential impact of this missense change (SIFT: "Deleterious"; PolyPhen-2: "Probably Damaging"; Align-GVGD: "Class C15"). In summary, the available evidence is currently insufficient to determine the role of this variant in disease. Therefore, it has been classified as a Variant of Uncertain Significance.

NM_004517.4(ILK):c.1031T>A (p.Phe344Tyr)

Genes: ILK (integrin linked kinase; plus strand), TAF10 (TATA-box binding protein associated factor 10; minus strand). Cytogenetic location: 11p15.4.
Variant type: single nucleotide variant.
Coding change: c.1031T>A on transcript NM_004517.4 (MANE Select); coding-DNA position 1031, T replaced by A.
Protein change: p.Phe344Tyr; replaces phenylalanine 344 with tyrosine.
Molecular consequence: missense variant. On other transcripts: 3 prime UTR variant (1).
Genome position (GRCh38, 1-based): chr11:6,609,988, T>A. VCF-style: chr11-6609988-T-A. GRCh37 (hg19) VCF-style: chr11-6631219-T-A.
Other names: c.1031T>A, p.Phe344Tyr (NM_001014794.3, NM_001014795.3); c.848T>A, p.Phe283Tyr (NM_001278441.2); c.629T>A, p.Phe210Tyr (NM_001278442.2); c.*934A>T (NM_006284.4); short protein forms F283Y, F344Y, F210Y.
Identifiers: ClinVar variation 2833823 (VCV002833823.3), dbSNP rs1273794131, ClinGen allele CA379466340.
Genomic context (GRCh38, chr11:6,609,988, plus strand): 5'-TTCCTCAGATTGATGAGGACATGACTGCCCGAATTAGCATGGCTGATGTCAAGTTCTCTT[T>A]CCAATGTCCTGGTCGCATGTATGCACCTGCCTGGGTAGCCCCCGAAGGTGAGTGAAGTCA-3'
Protein context (NP_004508.1, residues 334-354): RISMADVKFS[Phe344Tyr]QCPGRMYAPA